The following is an entry in ClinVar:

ClinVar aggregate classification (germline): Benign (1 of 4 stars; one submission).

Allele frequency attached by ClinVar (database versions not stated): 1000 Genomes Project 30x 0.00016; 1000 Genomes Project 0.00020; ESP Exome Variant Server 0.00023; gnomAD 0.00053.

Submission:

CeGaT Center for Human Genetics Tuebingen
Classification: Benign. Last evaluated: 2022-07-01. Review status: criteria provided, single submitter. Criteria: CeGaT Center For Human Genetics Tuebingen Variant Classification Criteria Version 2. Collection method: clinical testing. Allele origin: germline. Affected: yes. Observed: 1 variant allele.
Comment: HOXB13: BS1, BS2

NM_006361.6(HOXB13):c.*28C>A

Gene: HOXB13 (homeobox B13; minus strand). Cytogenetic location: 17q21.32.
Variant type: single nucleotide variant.
Coding change: c.*28C>A on transcript NM_006361.6 (MANE Select); 28 bases downstream of the stop codon, C replaced by A.
Molecular consequence: 3 prime UTR variant.
Genome position (GRCh38, 1-based): chr17:48,726,762, G>T on the plus strand (C>A on the coding strand, the complement: HOXB13 is on the minus strand). VCF-style: chr17-48726762-G-T. GRCh37 (hg19) VCF-style: chr17-46804124-G-T.
Identifiers: ClinVar variation 2647885 (VCV002647885.24), dbSNP rs371753257, ClinGen allele CA8633891.